The following is an entry in ClinVar:

NM_152641.4(ARID2):c.5060A>G (p.Gln1687Arg)

Gene: ARID2 (AT-rich interaction domain 2; plus strand). Cytogenetic location: 12q12.
Variant type: single nucleotide variant.
Coding change: c.5060A>G on transcript NM_152641.4 (MANE Select); coding-DNA position 5060, A replaced by G.
Protein change: p.Gln1687Arg; replaces glutamine 1687 with arginine.
Molecular consequence: missense variant.
Genome position (GRCh38, 1-based): chr12:45,891,917, A>G. VCF-style: chr12-45891917-A-G. GRCh37 (hg19) VCF-style: chr12-46285700-A-G.
Other names: c.5060A>G, p.Gln1687Arg (NM_001347839.2); short protein forms Q1687R.
Identifiers: ClinVar variation 3383710 (VCV003383710.1).

ClinVar aggregate classification (germline): Uncertain significance (1 of 4 stars; one submission).

Submission:

GeneDx
Classification: Uncertain significance. Last evaluated: 2024-05-29. Review status: criteria provided, single submitter. Criteria: GeneDx Variant Classification Process June 2021. Collection method: clinical testing. Allele origin: germline. Affected: yes.
Comment: Not observed at significant frequency in large population cohorts (gnomAD); In silico analysis suggests this variant may impact gene splicing. In the absence of RNA/functional studies, the actual effect of this sequence change is unknown.; In silico analysis indicates that this missense variant does not alter protein structure/function; Has not been previously published as pathogenic or benign to our knowledge